The following is an entry in ClinVar:

NM_000020.3(ACVRL1):c.983A>C (p.His328Pro)

Gene: ACVRL1 (activin A receptor like type 1; plus strand). Cytogenetic location: 12q13.13.
Variant type: single nucleotide variant.
Coding change: c.983A>C on transcript NM_000020.3 (MANE Select); coding-DNA position 983, A replaced by C.
Protein change: p.His328Pro; replaces histidine 328 with proline.
Molecular consequence: missense variant.
Genome position (GRCh38, 1-based): chr12:51,915,435, A>C. VCF-style: chr12-51915435-A-C. GRCh37 (hg19) VCF-style: chr12-52309219-A-C.
Other names: c.983A>C, p.His328Pro (NM_001077401.2); short protein forms H328P.
Identifiers: ClinVar variation 1319603 (VCV001319603.6), dbSNP rs2139073840, ClinGen allele CA384901430.

ClinVar aggregate classification (germline): Pathogenic. Review status: criteria provided, multiple submitters, no conflicts (2 of 4 stars). 2 submissions from 2 submitters: Pathogenic (2). Last evaluated 2024-01-16.

Conditions:
Telangiectasia, hereditary hemorrhagic, type 2 (HHT2). Also called: ACVRL1-Related Hereditary Hemorrhagic Telangiectasia; Telangiectasia, hereditary hemorrhagic, type II. Identifiers: Orphanet 774, MedGen C1838163, MONDO:0010880, OMIM 600376. Disease mechanism: loss of function.

Submissions (2):

Labcorp Genetics (formerly Invitae), Labcorp
Classification: Pathogenic for Telangiectasia, hereditary hemorrhagic, type 2. Last evaluated: 2024-01-16. Review status: criteria provided, single submitter. Criteria: Invitae Variant Classification Sherloc (09022015). Collection method: clinical testing. Allele origin: germline.
Comment: This sequence change replaces histidine, which is basic and polar, with proline, which is neutral and non-polar, at codon 328 of the ACVRL1 protein (p.His328Pro). This variant is not present in population databases (gnomAD no frequency). This missense change has been observed in individual(s) with clinical features of hereditary hemorrhagic telangiectasia (PMID: 16470589). It has also been observed to segregate with disease in related individuals. ClinVar contains an entry for this variant (Variation ID: 1319603). Advanced modeling of protein sequence and biophysical properties (such as structural, functional, and spatial information, amino acid conservation, physicochemical variation, residue mobility, and thermodynamic stability) performed at Invitae indicates that this missense variant is expected to disrupt ACVRL1 protein function with a positive predictive value of 95%. This variant disrupts the p.His328 amino acid residue in ACVRL1. Other variant(s) that disrupt this residue have been determined to be pathogenic (PMID: 17384219, 20414677, 24196379, 25970827, 27077548, 29650961; Invitae). This suggests that this residue is clinically significant, and that variants that disrupt this residue are likely to be disease-causing. For these reasons, this variant has been classified as Pathogenic.

Institute for Clinical Genetics, University Hospital TU Dresden, University Hospital TU Dresden
Classification: Pathogenic. Last evaluated: 2021-11-03. Review status: criteria provided, single submitter. Criteria: ACMG Guidelines, 2015. Collection method: clinical testing. Allele origin: germline.

Literature cited by the submitters: PubMed 16470589 (cited by Labcorp Genetics (formerly Invitae), Labcorp); PubMed 17384219 (cited by Labcorp Genetics (formerly Invitae), Labcorp); PubMed 20414677 (cited by Labcorp Genetics (formerly Invitae), Labcorp); PubMed 24196379 (cited by Labcorp Genetics (formerly Invitae), Labcorp); PubMed 25970827 (cited by Labcorp Genetics (formerly Invitae), Labcorp); PubMed 27077548 (cited by Labcorp Genetics (formerly Invitae), Labcorp); PubMed 29650961 (cited by Labcorp Genetics (formerly Invitae), Labcorp).